The following is an entry in ClinVar:

NM_002661.5(PLCG2):c.1579C>T (p.His527Tyr)

Gene: PLCG2 (phospholipase C gamma 2; plus strand). Cytogenetic location: 16q23.3.
Variant type: single nucleotide variant.
Coding change: c.1579C>T on transcript NM_002661.5 (MANE Select); coding-DNA position 1579, C replaced by T.
Protein change: p.His527Tyr; replaces histidine 527 with tyrosine.
Molecular consequence: missense variant.
Genome position (GRCh38, 1-based): chr16:81,908,437, C>T. VCF-style: chr16-81908437-C-T. GRCh37 (hg19) VCF-style: chr16-81942042-C-T.
Other names: short protein forms H527Y.
Identifiers: ClinVar variation 849035 (VCV000849035.9), dbSNP rs756033757, ClinGen allele CA8193863.

ClinVar aggregate classification (germline): Uncertain significance (1 of 4 stars; one submission).

Conditions:
Familial cold autoinflammatory syndrome 3 (FCAS3). Also called: ANTIBODY DEFICIENCY AND IMMUNE DYSREGULATION, PLCG2-ASSOCIATED; FAMILIAL ATYPICAL COLD URTICARIA. Identifiers: Orphanet 300359, MedGen C3280914, MONDO:0013766, OMIM 614468.

Allele frequency attached by ClinVar (database versions not stated): gnomAD exomes below 0.00001; ExAC 0.00001.

Submission:

Labcorp Genetics (formerly Invitae), Labcorp
Classification: Uncertain significance for Familial cold autoinflammatory syndrome 3. Last evaluated: 2023-07-25. Review status: criteria provided, single submitter. Criteria: Invitae Variant Classification Sherloc (09022015). Collection method: clinical testing. Allele origin: germline.
Comment: This sequence change replaces histidine, which is basic and polar, with tyrosine, which is neutral and polar, at codon 527 of the PLCG2 protein (p.His527Tyr). This variant is present in population databases (rs756033757, gnomAD 0.004%). This variant has not been reported in the literature in individuals affected with PLCG2-related conditions. ClinVar contains an entry for this variant (Variation ID: 849035). An algorithm developed to predict the effect of missense changes on protein structure and function (PolyPhen-2) suggests that this variant is likely to be disruptive. In summary, the available evidence is currently insufficient to determine the role of this variant in disease. Therefore, it has been classified as a Variant of Uncertain Significance.